The following is an entry in ClinVar:

ClinVar aggregate classification (germline): Uncertain significance (1 of 4 stars; one submission).

Conditions:
Familial adenomatous polyposis 1 (FAP1). Also called: POLYPOSIS, ADENOMATOUS INTESTINAL; FAMILIAL ADENOMATOUS POLYPOSIS 1, ATTENUATED. Identifiers: MedGen C2713442, MONDO:0021056, OMIM 175100. Disease mechanism: loss of function.

Submission:

Labcorp Genetics (formerly Invitae), Labcorp
Classification: Uncertain significance for Familial adenomatous polyposis 1. Last evaluated: 2023-12-11. Review status: criteria provided, single submitter. Criteria: Invitae Variant Classification Sherloc (09022015). Collection method: clinical testing. Allele origin: germline.
Comment: This sequence change replaces cysteine, which is neutral and slightly polar, with arginine, which is basic and polar, at codon 525 of the APC protein (p.Cys525Arg). This variant is not present in population databases (gnomAD no frequency). This variant has not been reported in the literature in individuals affected with APC-related conditions. Advanced modeling of protein sequence and biophysical properties (such as structural, functional, and spatial information, amino acid conservation, physicochemical variation, residue mobility, and thermodynamic stability) performed at Invitae indicates that this missense variant is not expected to disrupt APC protein function with a negative predictive value of 95%. In summary, the available evidence is currently insufficient to determine the role of this variant in disease. Therefore, it has been classified as a Variant of Uncertain Significance.

NM_000038.6(APC):c.1573T>C (p.Cys525Arg)

Gene: APC (APC regulator of Wnt signaling pathway; plus strand). Cytogenetic location: 5q22.2.
Variant type: single nucleotide variant.
Coding change: c.1573T>C on transcript NM_000038.6 (MANE Select); coding-DNA position 1573, T replaced by C.
Protein change: p.Cys525Arg; replaces cysteine 525 with arginine.
Molecular consequence: missense variant.
Genome position (GRCh38, 1-based): chr5:112,827,953, T>C. VCF-style: chr5-112827953-T-C. GRCh37 (hg19) VCF-style: chr5-112163650-T-C.
Other names: c.1573T>C, p.Cys525Arg (NM_001127510.3, NM_001354895.2, NM_001407450.1); c.1519T>C, p.Cys507Arg (NM_001127511.3); c.1627T>C, p.Cys543Arg (NM_001354896.2, NM_001407447.1, NM_001407448.1 and 1 more transcripts); c.1603T>C, p.Cys535Arg (NM_001354897.2); c.1498T>C, p.Cys500Arg (NM_001354898.2); c.1489T>C, p.Cys497Arg (NM_001354899.2); c.1450T>C, p.Cys484Arg (NM_001354900.2); c.1396T>C, p.Cys466Arg (NM_001354901.2, NM_001407453.1); and 11 more; short protein forms C242R, C424R, C553R, C141R, C365R, C442R, C484R, C515R.
Identifiers: ClinVar variation 2702160 (VCV002702160.3), dbSNP rs1458155204, ClinGen allele CA16024742.